The following is an entry in ClinVar:

ClinVar aggregate classification (germline): Uncertain significance (1 of 4 stars; one submission).

Conditions:
Familial thoracic aortic aneurysm and aortic dissection (TAAD). Also called: Thoracic aortic aneurysms and dissections. Identifiers: Orphanet 91387, MedGen C4707243, MONDO:0019625.

Submission:

All of Us Research Program, National Institutes of Health
Classification: Uncertain significance for Familial thoracic aortic aneurysm and aortic dissection. Last evaluated: 2023-06-26. Review status: criteria provided, single submitter. Criteria: ACMG Guidelines, 2015. Collection method: clinical testing. Allele origin: germline. Inheritance: Autosomal dominant inheritance. Observed: 1 variant allele, 1 heterozygote.
Comment: This missense variant replaces aspartic acid with glycine at codon 213 of the ACTA2 protein. Computational prediction suggests that this variant may have deleterious impact on protein structure and function (internally defined REVEL score threshold >= 0.7, PMID: 27666373). To our knowledge, functional studies have not been reported for this variant. This variant has not been reported in individuals affected with cardiovascular disorders in the literature. This variant has not been identified in the general population by the Genome Aggregation Database (gnomAD). The available evidence is insufficient to determine the role of this variant in disease conclusively. Therefore, this variant is classified as a Variant of Uncertain Significance.

This study involves interpretation of variants in research participants for the purpose of population health screening. Participant phenotype was not available at the time of variant classification. Additional details can be found in publication PMID: 35346344, PMCID: PMC8962531

NM_001613.4(ACTA2):c.638A>G (p.Asp213Gly)

Genes: ACTA2-AS1 (ACTA2 antisense RNA 1; plus strand), ACTA2 (actin alpha 2, smooth muscle; minus strand). Cytogenetic location: 10q23.31.
Variant type: single nucleotide variant.
Coding change: c.638A>G on transcript NM_001613.4 (MANE Select); coding-DNA position 638, A replaced by G.
Protein change: p.Asp213Gly; replaces aspartic acid 213 with glycine.
Molecular consequence: missense variant. On other transcripts: non-coding transcript variant (1), intron variant (1).
Genome position (GRCh38, 1-based): chr10:88,939,677, T>C on the plus strand (A>G on the coding strand, the complement: ACTA2 is on the minus strand). VCF-style: chr10-88939677-T-C. GRCh37 (hg19) VCF-style: chr10-90699434-T-C.
Other names: c.638A>G, p.Asp213Gly (NM_001141945.3, NM_001320855.2, NM_001406462.1 and 2 more transcripts); c.527A>G, p.Asp176Gly (NM_001406466.1); c.509A>G, p.Asp170Gly (NM_001406467.1, NM_001406468.1, NM_001406469.1); c.617-1435A>G (NM_001406471.1); short protein forms D170G, D176G, D213G.
Identifiers: ClinVar variation 3075542 (VCV003075542.1), dbSNP rs2494529029, ClinGen allele CA377511511.
Genomic context (GRCh38, chr10:88,939,677, plus strand): 5'-GCGGCAGTGGCCATCTCATTTTCAAAGTCCAGAGCTACATAACACAGTTTCTCCTTGATG[T>C]CCCGGACAATCTCACGCTCAGCTGTCAACCAGATACAAACATTGTGGCAAACATTAGGGT-3'
Protein context (NP_001604.1, residues 203-223): VTTAEREIVR[Asp213Gly]IKEKLCYVAL